The following is an entry in ClinVar:

ClinVar aggregate classification (germline): Benign/Likely benign. Review status: criteria provided, multiple submitters, no conflicts (2 of 4 stars). 11 submissions from 10 submitters: Benign (4); Likely benign (4). 3 of the submissions do not count toward it. Last evaluated 2026-07-01.

Conditions:
Retinitis pigmentosa 39 (RP39). Identifiers: Orphanet 791, MedGen C3151138, MONDO:0013436, OMIM 613809.
Usher syndrome type 2A. Also called: USHER SYNDROME, TYPE IIA; RETINAL DISEASE IN USHER SYNDROME TYPE IIA, MODIFIER OF. Identifiers: Orphanet 231178, Orphanet 886, MedGen C1848634, MONDO:0010169, OMIM 276901.

Allele frequency attached by ClinVar (database versions not stated): gnomAD 0.00164; gnomAD exomes 0.00178 and 0.00249; ExAC 0.00253; 1000 Genomes Project 30x 0.00031; 1000 Genomes Project 0.00040; ESP Exome Variant Server 0.00146.
gnomAD v4.1: 2,801 of 1,596,618 alleles (0.18%); highest among the groups gnomAD compares: Non-Finnish European, 0.16%; 8 homozygotes.

Submissions (11):

CeGaT Center for Human Genetics Tuebingen
Classification: Likely benign. Last evaluated: 2026-07-01. Review status: criteria provided, single submitter. Criteria: CeGaT Center For Human Genetics Tuebingen Variant Classification Criteria Version 2. Collection method: clinical testing. Allele origin: germline. Affected: yes. Observed: 12 variant alleles.
Comment: USH2A: BP4, BS2

Labcorp Genetics (formerly Invitae), Labcorp
Classification: Benign. Last evaluated: 2026-01-26. Review status: criteria provided, single submitter. Criteria: Invitae Variant Classification Sherloc (09022015). Collection method: clinical testing. Allele origin: germline.

Blueprint Genetics
Classification: Likely benign. Last evaluated: 2024-11-19. Review status: criteria provided, single submitter. Criteria: ACMG Guidelines, 2015. Collection method: clinical testing. Allele origin: germline.

Genome-Nilou Lab
Classification: Likely benign for Retinitis pigmentosa 39. Last evaluated: 2023-11-04. Review status: criteria provided, single submitter. Criteria: ACMG Guidelines, 2015. Collection method: clinical testing. Allele origin: germline. Affected: no.

Genome-Nilou Lab
Classification: Likely benign for Usher syndrome type 2A. Last evaluated: 2023-11-04. Review status: criteria provided, single submitter. Criteria: ACMG Guidelines, 2015. Collection method: clinical testing. Allele origin: germline. Affected: no.

Women's Health and Genetics/Laboratory Corporation of America, LabCorp
Classification: Benign. Last evaluated: 2022-05-10. Review status: criteria provided, single submitter. Criteria: LabCorp Variant Classification Summary - May 2015. Collection method: clinical testing. Allele origin: germline.
Comment: Variant summary: USH2A c.11404G>A (p.Glu3802Lys) results in a conservative amino acid change located in the Fibronectin type III domain (IPR003961) of the encoded protein sequence. Five of five in-silico tools predict a benign effect of the variant on protein function. The variant allele was found at a frequency of 0.0025 in 249888 control chromosomes in the gnomAD database, including 3 homozygotes. This frequency is not significantly higher than estimated for a pathogenic variant in USH2A causing Usher Syndrome (0.0025 vs 0.011), allowing no conclusion about variant significance. To our knowledge, no penetrant association of c.11404G>A in individuals affected with Usher Syndrome and no experimental evidence demonstrating its impact on protein function have been reported. Three clinical diagnostic laboratories have submitted clinical-significance assessments for this variant to ClinVar after 2014 without evidence for independent evaluation. All laboratories classified the variant as benign. Based on the evidence outlined above, the variant was classified as benign.

GeneDx
Classification: Benign. Last evaluated: 2019-09-03. Review status: criteria provided, single submitter. Criteria: GeneDx Variant Classification Process June 2021. Collection method: clinical testing. Allele origin: germline. Affected: yes.
Comment: This variant is associated with the following publications: (PMID: 32707200)

Laboratory for Molecular Medicine, Mass General Brigham Personalized Medicine
Classification: Benign. Last evaluated: 2017-08-10. Review status: criteria provided, single submitter. Criteria: LMM Criteria. Collection method: clinical testing. Allele origin: germline. Observed: 6 variant alleles.
Comment: p.Glu3802Lys in exon 59 of USH2A: This variant is not expected to have clinical significance because it has been identified in 1.3% (280/21974) of Finnish chrom osomes including 2 homozygotes by the Genome Aggregation Database (gnomAD; dbSNP rs147900972). In addition, computational anal yses do not suggest a high likelihood of clinical significance primarily based u pon a lack of conservation across species including mammals. Of note, orangutan, rat, mouse, dog and cow have a lysine at this position despite high nearby amin o acid conservation.

Clinical Genetics DNA and cytogenetics Diagnostics Lab, Erasmus MC, Erasmus Medical Center
Classification: Likely benign. Review status: no assertion criteria provided. Collection method: clinical testing. Allele origin: germline. Affected: yes. Study: VKGL Data-share Consensus. Not counted in ClinVar's aggregate classification.

Clinical Genetics, Academic Medical Center
Classification: Benign. Review status: no assertion criteria provided. Collection method: clinical testing. Allele origin: germline. Affected: yes. Study: VKGL Data-share Consensus. Not counted in ClinVar's aggregate classification.

Joint Genome Diagnostic Labs from Nijmegen and Maastricht, Radboudumc and MUMC+
Classification: Benign. Review status: no assertion criteria provided. Collection method: clinical testing. Allele origin: germline. Affected: yes. Study: VKGL Data-share Consensus. Not counted in ClinVar's aggregate classification.

NM_206933.4(USH2A):c.11404G>A (p.Glu3802Lys)

Gene: USH2A (usherin; minus strand). Cytogenetic location: 1q41.
Variant type: single nucleotide variant.
Coding change: c.11404G>A on transcript NM_206933.4 (MANE Select); coding-DNA position 11404, G replaced by A.
Protein change: p.Glu3802Lys; replaces glutamic acid 3802 with lysine.
Molecular consequence: missense variant.
Genome position (GRCh38, 1-based): chr1:215,743,321, C>T on the plus strand (G>A on the coding strand, the complement: USH2A is on the minus strand). VCF-style: chr1-215743321-C-T. GRCh37 (hg19) VCF-style: chr1-215916663-C-T.
Other names: short protein forms E3802K.
Identifiers: ClinVar variation 48374 (VCV000048374.50), dbSNP rs147900972, ClinGen allele CA143257.